The following is an entry in ClinVar:

ClinVar aggregate classification (germline): Likely benign (1 of 4 stars; one submission).

gnomAD v4.1: 207 of 1,613,722 alleles (0.013%); highest among the groups gnomAD compares: Middle Eastern, 0.017%; 1 homozygote.

Submission:

CeGaT Center for Human Genetics Tuebingen
Classification: Likely benign. Last evaluated: 2024-11-01. Review status: criteria provided, single submitter. Criteria: CeGaT Center For Human Genetics Tuebingen Variant Classification Criteria Version 2. Collection method: clinical testing. Allele origin: germline. Affected: yes. Observed: 1 variant allele.
Comment: ABCC3: BP4, BP7

NM_003786.4(ABCC3):c.1636-37T>C

Gene: ABCC3 (ATP binding cassette subfamily C member 3; plus strand). Cytogenetic location: 17q21.33.
Variant type: single nucleotide variant.
Coding change: c.1636-37T>C on transcript NM_003786.4 (MANE Select); 37 bases into the intron before coding-DNA position 1636, T replaced by C.
Molecular consequence: intron variant. On other transcripts: synonymous variant (1).
Genome position (GRCh38, 1-based): chr17:50,667,826, T>C. VCF-style: chr17-50667826-T-C. GRCh37 (hg19) VCF-style: chr17-48745187-T-C.
Other names: c.1704T>C, p.His568= (NM_001144070.2).
Identifiers: ClinVar variation 3388792 (VCV003388792.14).